The following is an entry in ClinVar:

NM_018341.3(ERMARD):c.1421C>T (p.Ala474Val)

Gene: ERMARD (ER membrane associated RNA degradation; plus strand). Cytogenetic location: 6q27.
Variant type: single nucleotide variant.
Coding change: c.1421C>T on transcript NM_018341.3 (MANE Select); coding-DNA position 1421, C replaced by T.
Protein change: p.Ala474Val; replaces alanine 474 with valine.
Molecular consequence: missense variant.
Genome position (GRCh38, 1-based): chr6:169,775,966, C>T. VCF-style: chr6-169775966-C-T. GRCh37 (hg19) VCF-style: chr6-170176062-C-T.
Other names: c.1421C>T (NM_018341.1); c.1421C>T, p.Ala474Val (NM_001278531.2, NM_001278533.2); c.1043C>T, p.Ala348Val (NM_001278532.2); c.1013C>T, p.Ala338Val (NM_001410957.1); short protein forms A338V, A348V, A474V.
Identifiers: ClinVar variation 3696386 (VCV003696386.3).

ClinVar aggregate classification (germline): Uncertain significance. Review status: criteria provided, multiple submitters, no conflicts (2 of 4 stars). 2 submissions from 2 submitters: Uncertain significance (2). Last evaluated 2025-07-03.

Submissions (2):

Ambry Genetics
Classification: Uncertain significance. Last evaluated: 2025-07-03. Review status: criteria provided, single submitter. Criteria: Ambry Variant Classification Scheme 2023. Collection method: clinical testing. Allele origin: germline.

Labcorp Genetics (formerly Invitae), Labcorp
Classification: Uncertain significance. Last evaluated: 2024-05-28. Review status: criteria provided, single submitter. Criteria: Invitae Variant Classification Sherloc (09022015). Collection method: clinical testing. Allele origin: germline.
Comment: This sequence change replaces alanine, which is neutral and non-polar, with valine, which is neutral and non-polar, at codon 474 of the ERMARD protein (p.Ala474Val). This variant is present in population databases (rs367909990, gnomAD 0.002%). This variant has not been reported in the literature in individuals affected with ERMARD-related conditions. Advanced modeling of protein sequence and biophysical properties (such as structural, functional, and spatial information, amino acid conservation, physicochemical variation, residue mobility, and thermodynamic stability) has been performed at Invitae for this missense variant, however the output from this modeling did not meet the statistical confidence thresholds required to predict the impact of this variant on ERMARD protein function. In summary, the available evidence is currently insufficient to determine the role of this variant in disease. Therefore, it has been classified as a Variant of Uncertain Significance.